The following is an entry in ClinVar:

NM_005548.3(KARS1):c.1551+5G>A

Gene: KARS1 (lysyl-tRNA synthetase 1; minus strand). Cytogenetic location: 16q23.1.
Variant type: single nucleotide variant.
Coding change: c.1551+5G>A on transcript NM_005548.3 (MANE Select); 5 bases into the intron after coding-DNA position 1551, G replaced by A.
Molecular consequence: intron variant.
Genome position (GRCh38, 1-based): chr16:75,629,410, C>T on the plus strand (G>A on the coding strand, the complement: KARS1 is on the minus strand). VCF-style: chr16-75629410-C-T. GRCh37 (hg19) VCF-style: chr16-75663308-C-T.
Other names: c.1635+5G>A (NM_001130089.2); c.1083+5G>A (NM_001378148.1).
Identifiers: ClinVar variation 3112691 (VCV003112691.1), dbSNP rs1454550387, ClinGen allele CA623370811.
Genomic context (GRCh38, chr16:75,629,410, plus strand): 5'-TCAGGGTTAAGGCTGGTATTTCCTGGTGAGTTGGCACAGCTTCTGCTCACAGTCCCCTTT[C>T]TCACCTTGGCCTGTTCTTCAAAAAGCTGCCGCTGCCGCATGGGATCATTCAGCTCAGTAT-3'

ClinVar aggregate classification (germline): Uncertain significance (1 of 4 stars; one submission).

Allele frequency attached by ClinVar (database versions not stated): gnomAD exomes below 0.00001; gnomAD 0.00001.
gnomAD v4.1: 3 of 1,613,810 alleles (0.00019%); highest among the groups gnomAD compares: Admixed American, 0.0033%; no homozygotes.

Submission:

Ambry Genetics
Classification: Uncertain significance. Last evaluated: 2021-02-12. Review status: criteria provided, single submitter. Criteria: Ambry Variant Classification Scheme 2023. Collection method: clinical testing. Allele origin: germline.
Comment: The c.1635+5G>A intronic alteration consists of a G to A substitution nucleotides after coding exon 12 in the KARS gene. In silico splice site analysis predicts that this alteration may weaken the native splice donor site. Based on insufficient or conflicting evidence, the clinical significance of this alteration remains unclear.